The following is an entry in ClinVar:

ClinVar aggregate classification (germline): Benign. Review status: criteria provided, multiple submitters, no conflicts (2 of 4 stars). 8 submissions from 7 submitters: Benign (5). 3 of the submissions do not count toward it. Last evaluated 2024-11-28.

Conditions:
Hydrocephalus, congenital, 3, with brain anomalies. Also called: HYDROCEPHALUS, NONSYNDROMIC, AUTOSOMAL RECESSIVE 3. Identifiers: MedGen C4747885, MONDO:0054794, OMIM 617967.
Cerebellar ataxia, impaired intellectual development, and dysequilibrium syndrome 2. Also called: CEREBELLAR ATAXIA, MENTAL RETARDATION, AND DYSEQUILIBRIUM SYNDROME 2; CEREBELLAR ATAXIA AND MENTAL RETARDATION WITH OR WITHOUT QUADRUPEDAL LOCOMOTION 2; Cerebellar ataxia, intellectual disability, and dysequilibrium syndrome 2. Identifiers: Orphanet 1766, MedGen C2750234, MONDO:0012430, OMIM 610185.

Allele frequency attached by ClinVar (database versions not stated): ESP Exome Variant Server 0.21992; gnomAD 0.22229 and 0.22648; TOPMed 0.22424; gnomAD exomes 0.22891 and 0.24394; 1000 Genomes Project 0.24681; 1000 Genomes Project 30x 0.24797; ExAC 0.24899.

Submissions (8):

Blueprint Genetics
Classification: Benign. Last evaluated: 2024-11-28. Review status: criteria provided, single submitter. Criteria: ACMG Guidelines, 2015. Collection method: clinical testing. Allele origin: germline.

Mayo Clinic Laboratories, Mayo Clinic
Classification: Benign. Last evaluated: 2022-03-24. Review status: criteria provided, single submitter. Criteria: ACMG Guidelines, 2015. Collection method: clinical testing. Allele origin: germline. Observed: 173 variant alleles.

Genome-Nilou Lab
Classification: Benign for Cerebellar ataxia, impaired intellectual development, and dysequilibrium syndrome 2. Last evaluated: 2021-07-14. Review status: criteria provided, single submitter. Criteria: ACMG Guidelines, 2015. Collection method: clinical testing. Allele origin: germline. Affected: no.

Genome-Nilou Lab
Classification: Benign for Hydrocephalus, congenital, 3, with brain anomalies. Last evaluated: 2021-07-14. Review status: criteria provided, single submitter. Criteria: ACMG Guidelines, 2015. Collection method: clinical testing. Allele origin: germline. Affected: no.

Breakthrough Genomics
Classification: Benign. Review status: criteria provided, single submitter. Criteria: ACMG Guidelines, 2015. Collection method: not provided. Allele origin: germline. Inheritance: Autosomal recessive inheritance. Affected: yes.

Clinical Genetics DNA and cytogenetics Diagnostics Lab, Erasmus MC, Erasmus Medical Center
Classification: Benign. Review status: no assertion criteria provided. Collection method: clinical testing. Allele origin: germline. Affected: yes. Study: VKGL Data-share Consensus. Not counted in ClinVar's aggregate classification.

Diagnostic Laboratory, Department of Genetics, University Medical Center Groningen
Classification: Benign for Cerebellar ataxia, impaired intellectual development, and dysequilibrium syndrome 2. Review status: no assertion criteria provided. Collection method: clinical testing. Allele origin: germline. Affected: yes. Study: VKGL Data-share Consensus. Not counted in ClinVar's aggregate classification.

Genetic Services Laboratory, University of Chicago
Classification: Likely benign for AllHighlyPenetrant. Review status: no assertion criteria provided. Collection method: clinical testing. Allele origin: germline. Inheritance: Autosomal recessive inheritance. Not counted in ClinVar's aggregate classification.
Comment: Likely benign based on allele frequency in 1000 Genomes Project or ESP global frequency and its presence in a patient with a rare or unrelated disease phenotype. NOT Sanger confirmed.

NM_001163809.2(WDR81):c.5127G>A (p.Pro1709=)

Gene: WDR81 (WD repeat domain 81; plus strand). Cytogenetic location: 17p13.3.
Variant type: single nucleotide variant.
Coding change: c.5127G>A on transcript NM_001163809.2 (MANE Select); coding-DNA position 5127, G replaced by A.
Protein change: p.Pro1709=; no amino-acid change (proline 1709 retained).
Molecular consequence: synonymous variant.
Genome position (GRCh38, 1-based): chr17:1,734,164, G>A. VCF-style: chr17-1734164-G-A. GRCh37 (hg19) VCF-style: chr17-1637458-G-A.
Other names: p.Pro1709=; c.1518G>A, p.Pro506= (NM_001163673.2); c.1446G>A, p.Pro482= (NM_001163811.2); c.1974G>A, p.Pro658= (NM_152348.4).
Identifiers: ClinVar variation 130742 (VCV000130742.13), dbSNP rs8065251, ClinGen allele CA155993.